The following is an entry in ClinVar:

NM_004168.4(SDHA):c.541G>C (p.Gly181Arg)

Gene: SDHA (succinate dehydrogenase complex flavoprotein subunit A; plus strand). Cytogenetic location: 5p15.33.
Variant type: single nucleotide variant.
Coding change: c.541G>C on transcript NM_004168.4 (MANE Select); coding-DNA position 541, G replaced by C.
Protein change: p.Gly181Arg; replaces glycine 181 with arginine.
Molecular consequence: missense variant.
Genome position (GRCh38, 1-based): chr5:225,967, G>C. VCF-style: chr5-225967-G-C. GRCh37 (hg19) VCF-style: chr5-226082-G-C.
Other names: c.541G>C (NM_004168.2); c.397G>C, p.Gly133Arg (NM_001294332.2); c.541G>C, p.Gly181Arg (NM_001330758.2); short protein forms G133R, G181R.
Identifiers: ClinVar variation 1479456 (VCV001479456.11), dbSNP rs1305547879, ClinGen allele CA359010312.

ClinVar aggregate classification (germline): Uncertain significance. Review status: criteria provided, multiple submitters, no conflicts (2 of 4 stars). 2 submissions from 2 submitters: Uncertain significance (2). Last evaluated 2025-09-11.

Conditions:
Hereditary cancer-predisposing syndrome. Also called: Neoplastic Syndromes, Hereditary; Hereditary Cancer Syndrome; Hereditary neoplastic syndrome; Tumor predisposition. Identifiers: Orphanet 140162, MedGen C0027672, MeSH D009386, MONDO:0015356.
Mitochondrial complex II deficiency, nuclear type 1. Also called: SUCCINATE CoQ REDUCTASE DEFICIENCY. Identifiers: Orphanet 3208, MedGen C5700310, MONDO:0100294, OMIM 252011.
Pheochromocytoma/paraganglioma syndrome 5. Also called: Paragangliomas 5; SDHA-Related Hereditary Paraganglioma-Pheochromocytoma Syndrome. Identifiers: Orphanet 29072, MedGen C3279992, MONDO:0013602, OMIM 614165.

Allele frequency attached by ClinVar (database versions not stated): gnomAD 0.00001.

Submissions (2):

Labcorp Genetics (formerly Invitae), Labcorp
Classification: Uncertain significance for Pheochromocytoma/paraganglioma syndrome 5; Mitochondrial complex II deficiency, nuclear type 1. Last evaluated: 2025-09-11. Review status: criteria provided, single submitter. Criteria: Invitae Variant Classification Sherloc (09022015). Collection method: clinical testing. Allele origin: germline.
Comment: This sequence change replaces glycine, which is neutral and non-polar, with arginine, which is basic and polar, at codon 181 of the SDHA protein (p.Gly181Arg). This variant is present in population databases (no rsID available, gnomAD 0.01%). This variant has not been reported in the literature in individuals affected with SDHA-related conditions. ClinVar contains an entry for this variant (Variation ID: 1479456). Invitae Evidence Modeling of protein sequence and biophysical properties (such as structural, functional, and spatial information, amino acid conservation, physicochemical variation, residue mobility, and thermodynamic stability) has been performed for this missense variant. However, the output from this modeling did not meet the statistical confidence thresholds required to predict the impact of this variant on SDHA protein function. In summary, the available evidence is currently insufficient to determine the role of this variant in disease. Therefore, it has been classified as a Variant of Uncertain Significance.

Ambry Genetics
Classification: Uncertain significance for Hereditary cancer-predisposing syndrome. Last evaluated: 2025-03-12. Review status: criteria provided, single submitter. Criteria: Ambry Variant Classification Scheme 2023. Collection method: clinical testing. Allele origin: germline.
Comment: The p.G181R variant (also known as c.541G>C), located in coding exon 5 of the SDHA gene, results from a G to C substitution at nucleotide position 541. The glycine at codon 181 is replaced by arginine, an amino acid with dissimilar properties. This amino acid position is highly conserved in available vertebrate species. In addition, this alteration is predicted to be deleterious by in silico analysis. Based on the available evidence, the clinical significance of this variant remains unclear.